The following is an entry in ClinVar:

ClinVar aggregate classification (germline): Uncertain significance (1 of 4 stars; one submission).

Conditions:
Noonan syndrome 9 (NS9). Identifiers: Orphanet 648, MedGen C4225282, MONDO:0014691, OMIM 616559.

Submission:

Labcorp Genetics (formerly Invitae), Labcorp
Classification: Uncertain significance for Noonan syndrome 9. Last evaluated: 2024-01-04. Review status: criteria provided, single submitter. Criteria: Invitae Variant Classification Sherloc (09022015). Collection method: clinical testing. Allele origin: germline.
Comment: This sequence change replaces cysteine, which is neutral and slightly polar, with serine, which is neutral and polar, at codon 506 of the SOS2 protein (p.Cys506Ser). This variant is not present in population databases (gnomAD no frequency). This variant has not been reported in the literature in individuals affected with SOS2-related conditions. Advanced modeling of protein sequence and biophysical properties (such as structural, functional, and spatial information, amino acid conservation, physicochemical variation, residue mobility, and thermodynamic stability) performed at Invitae indicates that this missense variant is not expected to disrupt SOS2 protein function with a negative predictive value of 95%. In summary, the available evidence is currently insufficient to determine the role of this variant in disease. Therefore, it has been classified as a Variant of Uncertain Significance.

NM_006939.4(SOS2):c.1517G>C (p.Cys506Ser)

Gene: SOS2 (SOS Ras/Rho guanine nucleotide exchange factor 2; minus strand). Cytogenetic location: 14q21.3.
Variant type: single nucleotide variant.
Coding change: c.1517G>C on transcript NM_006939.4 (MANE Select); coding-DNA position 1517, G replaced by C.
Protein change: p.Cys506Ser; replaces cysteine 506 with serine.
Molecular consequence: missense variant.
Genome position (GRCh38, 1-based): chr14:50,159,766, C>G on the plus strand (G>C on the coding strand, the complement: SOS2 is on the minus strand). VCF-style: chr14-50159766-C-G. GRCh37 (hg19) VCF-style: chr14-50626484-C-G.
Other names: c.1418G>C, p.Cys473Ser (NM_001411020.1); short protein forms C473S, C506S.
Identifiers: ClinVar variation 2705298 (VCV002705298.3), dbSNP rs2502989917, ClinGen allele CA389645590.